The following is an entry in ClinVar:

NM_001286445.3(RIPOR2):c.1136C>T (p.Thr379Met)

Gene: RIPOR2 (RHO family interacting cell polarization regulator 2; minus strand). Cytogenetic location: 6p22.3.
Variant type: single nucleotide variant.
Coding change: c.1136C>T on transcript NM_001286445.3 (MANE Select); coding-DNA position 1136, C replaced by T.
Protein change: p.Thr379Met; replaces threonine 379 with methionine.
Molecular consequence: missense variant.
Genome position (GRCh38, 1-based): chr6:24,848,053, G>A on the plus strand (C>T on the coding strand, the complement: RIPOR2 is on the minus strand). VCF-style: chr6-24848053-G-A. GRCh37 (hg19) VCF-style: chr6-24848281-G-A.
Other names: c.1151C>T, p.Thr384Met (NM_001286446.3); c.1049C>T, p.Thr350Met (NM_001286447.2, NM_001346031.2, NM_001346032.2 and 2 more transcripts); c.1049C>T (NM_014722.3, NM_014722.4); short protein forms T350M, T379M, T384M.
Identifiers: ClinVar variation 2139120 (VCV002139120.7), dbSNP rs375981215, ClinGen allele CA3659326.

ClinVar aggregate classification (germline): Uncertain significance. Review status: criteria provided, multiple submitters, no conflicts (2 of 4 stars). 3 submissions from 3 submitters: Uncertain significance (3). Last evaluated 2026-05-20.

Conditions:
RIPOR2-related disorder. Also called: RIPOR2-related condition.

Allele frequency attached by ClinVar (database versions not stated): ESP Exome Variant Server 0.00016.
gnomAD v4.1: 67 of 1,613,826 alleles (0.0042%); highest among the groups gnomAD compares: Middle Eastern, 0.016%; no homozygotes.

Submissions (3):

GeneDx
Classification: Uncertain significance. Last evaluated: 2026-05-20. Review status: criteria provided, single submitter. Criteria: GeneDx Variant Classification Process June 2021. Collection method: clinical testing. Allele origin: germline.
Comment: In silico analysis supports that this missense variant has a deleterious effect on protein structure/function; Has not been previously published as pathogenic or benign to our knowledge

PreventionGenetics, part of Exact Sciences
Classification: Uncertain significance for RIPOR2-related condition. Last evaluated: 2025-07-24. Review status: criteria provided, single submitter. Criteria: ACMG Guidelines, 2015. Collection method: clinical testing. Allele origin: germline.
Comment: The RIPOR2 c.1049C>T variant is predicted to result in the amino acid substitution p.Thr350Met. To our knowledge, this variant has not been reported in the literature. This variant is reported in 0.017% of alleles in individuals of African descent in gnomAD. At this time, the clinical significance of this variant is uncertain due to the absence of conclusive functional and genetic evidence.

Labcorp Genetics (formerly Invitae), Labcorp
Classification: Uncertain significance. Last evaluated: 2024-05-23. Review status: criteria provided, single submitter. Criteria: Invitae Variant Classification Sherloc (09022015). Collection method: clinical testing. Allele origin: germline.
Comment: This sequence change replaces threonine, which is neutral and polar, with methionine, which is neutral and non-polar, at codon 350 of the FAM65B protein (p.Thr350Met). This variant is present in population databases (rs375981215, gnomAD 0.01%). This variant has not been reported in the literature in individuals affected with FAM65B-related conditions. ClinVar contains an entry for this variant (Variation ID: 2139120). An algorithm developed to predict the effect of missense changes on protein structure and function (PolyPhen-2) suggests that this variant is likely to be disruptive. In summary, the available evidence is currently insufficient to determine the role of this variant in disease. Therefore, it has been classified as a Variant of Uncertain Significance.